The following is an entry in ClinVar:

ClinVar aggregate classification (germline): Uncertain significance (1 of 4 stars; one submission).

Conditions:
Inborn genetic diseases. Identifiers: MedGen C0950123, MeSH D030342.

Submission:

Ambry Genetics
Classification: Uncertain significance for Inborn genetic diseases. Last evaluated: 2024-12-23. Review status: criteria provided, single submitter. Criteria: Ambry Variant Classification Scheme 2023. Collection method: clinical testing. Allele origin: germline.
Comment: The p.S96C variant (also known as c.287C>G), located in coding exon 4 of the FANCA gene, results from a C to G substitution at nucleotide position 287. The serine at codon 96 is replaced by cysteine, an amino acid with dissimilar properties. This amino acid position is conserved. In addition, the in silico prediction for this alteration is inconclusive. Based on the available evidence, the clinical significance of this variant remains unclear.

NM_000135.4(FANCA):c.287C>G (p.Ser96Cys)

Gene: FANCA (FA complementation group A; minus strand). Cytogenetic location: 16q24.3.
Variant type: single nucleotide variant.
Coding change: c.287C>G on transcript NM_000135.4 (MANE Select); coding-DNA position 287, C replaced by G.
Protein change: p.Ser96Cys; replaces serine 96 with cysteine.
Molecular consequence: missense variant.
Genome position (GRCh38, 1-based): chr16:89,811,068, G>C on the plus strand (C>G on the coding strand, the complement: FANCA is on the minus strand). VCF-style: chr16-89811068-G-C. GRCh37 (hg19) VCF-style: chr16-89877476-G-C.
Other names: c.287C>G, p.Ser96Cys (NM_001018112.3, NM_001286167.3, NM_001351830.2); short protein forms S96C.
Identifiers: ClinVar variation 3848055 (VCV003848055.1).